The following is an entry in ClinVar:

ClinVar aggregate classification (germline): Likely pathogenic. Review status: criteria provided, multiple submitters, no conflicts (2 of 4 stars). 2 submissions from 2 submitters: Likely pathogenic (2). Last evaluated 2025-08-04.

Conditions:
Epiphyseal dysplasia, multiple, 3 (EDM3). Also called: Epiphyseal dysplasia, multiple, 3, with or without myopathy; COL9A3-Related Multiple Epiphyseal Dysplasia. Identifiers: MedGen C1832998, MONDO:0010964, OMIM 600969.

Submissions (2):

3billion
Classification: Likely pathogenic for Epiphyseal dysplasia, multiple, 3. Last evaluated: 2025-08-04. Review status: criteria provided, single submitter. Criteria: ACMG Guidelines, 2015. Collection method: clinical testing. Allele origin: germline. Affected: yes.
Comment: The variant is not observed in the gnomAD v4.1.0 dataset. Predicted Consequence/Location: Canonical splice site: predicted to alter splicing and result in a loss or disruption of normal protein function. Multiple pathogenic loss-of-function variants are reported downstream of the variant. In silico tools predict the variant to alter splicing and produce an abnormal transcript [SpliceAI: 0.96 (spliceogenicity >=0.2, non-spliceogenicity <0.1)]. The variant has been reported to be associated with COL9A3-related disorder (ClinVar ID: VCV000931460). Therefore, this variant is classified as Likely pathogenic according to the recommendation of ACMG/AMP guideline.

Centre for Mendelian Genomics, University Medical Centre Ljubljana
Classification: Likely pathogenic for Epiphyseal dysplasia, multiple, 3. Last evaluated: 2019-07-10. Review status: criteria provided, single submitter. Criteria: ACMG Guidelines, 2015. Collection method: clinical testing. Allele origin: unknown. Affected: yes.
Comment: This variant was classified as: Likely pathogenic. The following ACMG criteria were applied in classifying this variant: PVS1,PM2.

NM_001853.4(COL9A3):c.184-2A>G

Gene: COL9A3 (collagen type IX alpha 3 chain; plus strand). Cytogenetic location: 20q13.33.
Variant type: single nucleotide variant.
Coding change: c.184-2A>G on transcript NM_001853.4 (MANE Select); the canonical splice acceptor site of the intron before coding-DNA position 184, A replaced by G.
Molecular consequence: splice acceptor variant.
Genome position (GRCh38, 1-based): chr20:62,819,220, A>G. VCF-style: chr20-62819220-A-G. GRCh37 (hg19) VCF-style: chr20-61450572-A-G.
Identifiers: ClinVar variation 931460 (VCV000931460.4), dbSNP rs1991037713, ClinGen allele CA409587480.
Genomic context (GRCh38, chr20:62,819,220, plus strand): 5'-CTGAAGGCCTGGGCTCCAGGCCAGACCCCGCCTTCACATCTCTGCCCTTTCCTCCTGCAC[A>G]GGGACCAAAGGGGGCCCCAGGAAAGCCGGGGAAACCAGGAGAGGCTGGGCTGCCGGGACT-3'